The following is an entry in ClinVar:

ClinVar aggregate classification (germline): Uncertain significance (1 of 4 stars; one submission).

gnomAD v4.1: 25 of 1,613,772 alleles (0.0015%); highest among the groups gnomAD compares: Non-Finnish European, 0.0021%; no homozygotes.

Submission:

Labcorp Genetics (formerly Invitae), Labcorp
Classification: Uncertain significance. Last evaluated: 2022-02-24. Review status: criteria provided, single submitter. Criteria: Invitae Variant Classification Sherloc (09022015). Collection method: clinical testing. Allele origin: germline.
Comment: This sequence change replaces alanine, which is neutral and non-polar, with valine, which is neutral and non-polar, at codon 1017 of the C2CD3 protein (p.Ala1017Val). This variant is not present in population databases (gnomAD no frequency). This variant has not been reported in the literature in individuals affected with C2CD3-related conditions. Algorithms developed to predict the effect of missense changes on protein structure and function output the following: SIFT: "Tolerated"; PolyPhen-2: "Benign"; Align-GVGD: "Class C0". The valine amino acid residue is found in multiple mammalian species, which suggests that this missense change does not adversely affect protein function. In summary, the available evidence is currently insufficient to determine the role of this variant in disease. Therefore, it has been classified as a Variant of Uncertain Significance.

NM_001286577.2(C2CD3):c.3050C>T (p.Ala1017Val)

Gene: C2CD3 (C2 domain containing 3 centriole elongation regulator; minus strand). Cytogenetic location: 11q13.4.
Variant type: single nucleotide variant.
Coding change: c.3050C>T on transcript NM_001286577.2 (MANE Select); coding-DNA position 3050, C replaced by T.
Protein change: p.Ala1017Val; replaces alanine 1017 with valine.
Molecular consequence: missense variant.
Genome position (GRCh38, 1-based): chr11:74,095,338, G>A on the plus strand (C>T on the coding strand, the complement: C2CD3 is on the minus strand). VCF-style: chr11-74095338-G-A. GRCh37 (hg19) VCF-style: chr11-73806383-G-A.
Other names: c.3050C>T, p.Ala1017Val (NM_015531.6); short protein forms A1017V.
Identifiers: ClinVar variation 1439316 (VCV001439316.3), dbSNP rs2135487259, ClinGen allele CA381828462.